The following is an entry in ClinVar:

ClinVar aggregate classification (germline): Likely benign (0 of 4 stars; one submission).

Conditions:
PHIP-related disorder. Also called: PHIP-related condition; PHIP-related disorders.

Submission:

PreventionGenetics, part of Exact Sciences
Classification: Likely benign for PHIP-related condition. Last evaluated: 2024-01-31. Review status: no assertion criteria provided. Collection method: clinical testing. Allele origin: germline.
Comment: This variant is classified as likely benign based on ACMG/AMP sequence variant interpretation guidelines (Richards et al. 2015 PMID: 25741868, with internal and published modifications).

NM_017934.7(PHIP):c.924-10dup

Gene: PHIP (PHIP subunit of CUL4-Ring ligase complex; minus strand). Cytogenetic location: 6q14.1.
Variant type: Duplication.
Coding change: c.924-10dup on transcript NM_017934.7 (MANE Select); 10 bases into the intron before coding-DNA position 924, one base duplicated (T; older notation c.924-10dupT).
Molecular consequence: intron variant.
Genome position (GRCh38, 1-based): chr6:79,019,169, A duplicated on the plus strand (T on the coding strand, the reverse complement: PHIP is on the minus strand); the first of 6 consecutive A bases (chr6:79,019,169-79,019,174); duplicating any one gives the same sequence. VCF-style (leftmost placement, unchanged base first): chr6-79019168-C-CA. GRCh37 (hg19) VCF-style: chr6-79728885-C-CA.
Identifiers: ClinVar variation 3358467 (VCV003358467.1).
Genomic context (GRCh38, chr6:79,019,168, plus strand): 5'-GATCATTTGAACTCCAGGCCGAGGGCGCTCTGTAAATTTTGCAGGTCTTGGGCTGTAATA[C>CA]AAAAAATAAAGAATTAAAAATATCCTAAAGGAACCAGTAGCAGCAGAAATAATCTGTTTC-3'